The following is an entry in ClinVar:

NM_020843.4(SCAPER):c.2914C>T (p.Pro972Ser)

Gene: SCAPER (S-phase cyclin A associated protein in the ER; minus strand). Cytogenetic location: 15q24.3.
Variant type: single nucleotide variant.
Coding change: c.2914C>T on transcript NM_020843.4 (MANE Select); coding-DNA position 2914, C replaced by T.
Protein change: p.Pro972Ser; replaces proline 972 with serine.
Molecular consequence: missense variant. On other transcripts: non-coding transcript variant (1).
Genome position (GRCh38, 1-based): chr15:76,504,899, G>A on the plus strand (C>T on the coding strand, the complement: SCAPER is on the minus strand). VCF-style: chr15-76504899-G-A. GRCh37 (hg19) VCF-style: chr15-76797240-G-A.
Other names: c.2176C>T, p.Pro726Ser (NM_001145923.2); c.2932C>T, p.Pro978Ser (NM_001353009.2); c.2512C>T, p.Pro838Ser (NM_001353010.2, NM_001353012.2); c.2530C>T, p.Pro844Ser (NM_001353011.2); short protein forms P726S, P838S, P844S, P978S, P972S.
Identifiers: ClinVar variation 5002111 (VCV005002111.1).

ClinVar aggregate classification (germline): Uncertain significance (1 of 4 stars; one submission).

Conditions:
SCAPER-related disorder. Also called: SCAPER-related condition.

gnomAD v4.1: 3 of 1,612,072 alleles (0.00019%); highest among the groups gnomAD compares: African/African-American, 0.004%; no homozygotes.

Submission:

PreventionGenetics, part of Exact Sciences
Classification: Uncertain significance for SCAPER-related condition. Last evaluated: 2025-02-22. Review status: criteria provided, single submitter. Criteria: ACMG Guidelines, 2015. Collection method: clinical testing. Allele origin: germline.
Comment: The SCAPER c.2932C>T variant is predicted to result in the amino acid substitution p.Pro978Ser. To our knowledge, this variant has not been reported in the literature. This variant is reported in 0.011% of alleles in individuals of African descent in gnomAD. At this time, the clinical significance of this variant is uncertain due to the absence of conclusive functional and genetic evidence.